The following is an entry in ClinVar:

NM_001297.5(CNGB1):c.2083G>A (p.Asp695Asn)

Gene: CNGB1 (cyclic nucleotide gated channel subunit beta 1; minus strand). Cytogenetic location: 16q21.
Variant type: single nucleotide variant.
Coding change: c.2083G>A on transcript NM_001297.5 (MANE Select); coding-DNA position 2083, G replaced by A.
Protein change: p.Asp695Asn; replaces aspartic acid 695 with asparagine.
Molecular consequence: missense variant.
Genome position (GRCh38, 1-based): chr16:57,917,351, C>T on the plus strand (G>A on the coding strand, the complement: CNGB1 is on the minus strand). VCF-style: chr16-57917351-C-T. GRCh37 (hg19) VCF-style: chr16-57951255-C-T.
Other names: c.2065G>A, p.Asp689Asn (NM_001286130.2); short protein forms D689N, D695N.
Identifiers: ClinVar variation 1009626 (VCV001009626.7), dbSNP rs1262854071, ClinGen allele CA396064264.

ClinVar aggregate classification (germline): Uncertain significance. Review status: criteria provided, multiple submitters, no conflicts (2 of 4 stars). 2 submissions from 2 submitters: Uncertain significance (2). Last evaluated 2023-10-27.

Allele frequency attached by ClinVar (database versions not stated): gnomAD exomes below 0.00001.
gnomAD v4.1: 1 of 1,614,126 alleles (0.000062%); highest among the groups gnomAD compares: Non-Finnish European, 0.000085%; no homozygotes.

Submissions (2):

Blueprint Genetics
Classification: Uncertain significance. Last evaluated: 2023-10-27. Review status: criteria provided, single submitter. Criteria: ACMG Guidelines, 2015. Collection method: clinical testing. Allele origin: germline.

Labcorp Genetics (formerly Invitae), Labcorp
Classification: Uncertain significance. Last evaluated: 2021-09-01. Review status: criteria provided, single submitter. Criteria: Invitae Variant Classification Sherloc (09022015). Collection method: clinical testing. Allele origin: germline.
Comment: This sequence change replaces aspartic acid with asparagine at codon 695 of the CNGB1 protein (p.Asp695Asn). The aspartic acid residue is highly conserved and there is a small physicochemical difference between aspartic acid and asparagine. This variant is not present in population databases (ExAC no frequency). This variant has not been reported in the literature in individuals affected with CNGB1-related conditions. Algorithms developed to predict the effect of missense changes on protein structure and function are either unavailable or do not agree on the potential impact of this missense change (SIFT: "Deleterious"; PolyPhen-2: "Probably Damaging"; Align-GVGD: "Class C0"). In summary, the available evidence is currently insufficient to determine the role of this variant in disease. Therefore, it has been classified as a Variant of Uncertain Significance.